The following is an entry in ClinVar:

NM_033310.3(KCNK4):c.1151_1160del (p.Gly384fs)

Genes: KCNK4 (potassium two pore domain channel subfamily K member 4; plus strand), KCNK4-CATSPERZ (KCNK4-CATSPERZ readthrough (NMD candidate); plus strand). Cytogenetic location: 11q13.1.
Variant type: Deletion.
Coding change: c.1151_1160del on transcript NM_033310.3 (MANE Select); coding-DNA positions 1151 to 1160, 10 bases deleted (GGCGTCCCCG; older notation c.1151_1160delGGCGTCCCCG).
Protein change: p.Gly384fs; shifts the reading frame from glycine 384.
Molecular consequence: frameshift variant. On other transcripts: non-coding transcript variant (3).
Genome position (GRCh38, 1-based): chr11:64,299,695-64,299,704, GGCGTCCCCG deleted; deleting any 10 consecutive bases within chr11:64,299,690-64,299,704 gives the same sequence; the c. name uses the placement nearest the transcript's 3' end. VCF-style (leftmost placement, unchanged base first): chr11-64299689-GCCCCGGGCGT-G. GRCh37 (hg19) VCF-style: chr11-64067161-GCCCCGGGCGT-G.
Other names: c.1151_1160del, p.Gly384fs (NM_001317090.2); c.1151_1160delGGCGTCCCCG, p.Gly384Glufs (NM_033311.1); short protein forms G384fs.
Identifiers: ClinVar variation 2034915 (VCV002034915.4), dbSNP rs2034880595, ClinGen allele CA1978677257.

ClinVar aggregate classification (germline): Uncertain significance (1 of 4 stars; one submission).

Submission:

Labcorp Genetics (formerly Invitae), Labcorp
Classification: Uncertain significance. Last evaluated: 2021-12-06. Review status: criteria provided, single submitter. Criteria: Invitae Variant Classification Sherloc (09022015). Collection method: clinical testing. Allele origin: germline.
Comment: In summary, the available evidence is currently insufficient to determine the role of this variant in disease. Therefore, it has been classified as a Variant of Uncertain Significance. Experimental studies and prediction algorithms are not available or were not evaluated, and the functional significance of this variant is currently unknown. This variant has not been reported in the literature in individuals affected with KCNK4-related conditions. This variant is not present in population databases (gnomAD no frequency). This sequence change results in a frameshift in the KCNK4 gene (p.Gly384Glufs*31). While this is not anticipated to result in nonsense mediated decay, it is expected to disrupt the last 10 amino acid(s) of the KCNK4 protein and extend the protein by 20 additional amino acid residues.